The following is an entry in ClinVar:

NM_000548.5(TSC2):c.5094C>T (p.Ser1698=)

Gene: TSC2 (TSC complex subunit 2; plus strand). Cytogenetic location: 16p13.3.
Variant type: single nucleotide variant.
Coding change: c.5094C>T on transcript NM_000548.5 (MANE Select); coding-DNA position 5094, C replaced by T.
Protein change: p.Ser1698=; no amino-acid change (serine 1698 retained).
Molecular consequence: synonymous variant.
Genome position (GRCh38, 1-based): chr16:2,088,073, C>T. VCF-style: chr16-2088073-C-T. GRCh37 (hg19) VCF-style: chr16-2138074-C-T.
Other names: p.S1698S:AGC>AGT; c.4893C>T, p.Ser1631= (NM_001077183.3); c.5025C>T, p.Ser1675= (NM_001114382.3); c.4785C>T, p.Ser1595= (NM_001318827.2); c.4749C>T, p.Ser1583= (NM_001318829.2); c.4362C>T, p.Ser1454= (NM_001318831.2); c.4926C>T, p.Ser1642= (NM_001318832.2); c.4896C>T, p.Ser1632= (NM_001363528.2); and 3 more.
Identifiers: ClinVar variation 137748 (VCV000137748.32), dbSNP rs45514196, ClinGen allele CA021712.
Genomic context (GRCh38, chr16:2,088,073, plus strand): 5'-GCCCTGGGCCTGGCGTGACCACCAAGTCTCCCCAGACATGGAGGGCCTTGTGGACACCAG[C>T]GTGGCCAAGATCGTGTCTGACCGCAACCTGCCCTTCGTGGCCCGCCAGATGGCCCTGCAC-3'
Protein context (NP_000539.2, residues 1688-1708): RKDMEGLVDT[Ser1698=]VAKIVSDRNL

ClinVar aggregate classification (germline): Benign/Likely benign. Review status: criteria provided, multiple submitters, no conflicts (2 of 4 stars). 12 submissions from 12 submitters: Benign (7); Likely benign (5). Last evaluated 2026-06-01.

Conditions:
Hereditary cancer-predisposing syndrome. Also called: Tumor predisposition; Hereditary neoplastic syndrome; Hereditary Cancer Syndrome; Neoplastic Syndromes, Hereditary. Identifiers: Orphanet 140162, MedGen C0027672, MeSH D009386, MONDO:0015356.
Tuberous sclerosis syndrome (TSC). Also called: Tuberous Sclerosis Complex; Tuberous sclerosis. Identifiers: Orphanet 805, MedGen C0041341, MONDO:0001734.
Tuberous sclerosis 2 (TSC2). Identifiers: Orphanet 805, MedGen C1860707, MONDO:0013199, OMIM 613254.

Allele frequency attached by ClinVar (database versions not stated): TOPMed 0.00005.
gnomAD v4.1: 86 of 1,612,710 alleles (0.0053%); highest among the groups gnomAD compares: South Asian, 0.029%; no homozygotes.

Submissions (12):

CeGaT Center for Human Genetics Tuebingen
Classification: Likely benign. Last evaluated: 2026-06-01. Review status: criteria provided, single submitter. Criteria: CeGaT Center For Human Genetics Tuebingen Variant Classification Criteria Version 2. Collection method: clinical testing. Allele origin: germline. Affected: yes. Observed: 2 variant alleles.
Comment: TSC2: BP4, BP7

Labcorp Genetics (formerly Invitae), Labcorp
Classification: Benign for Tuberous sclerosis 2. Last evaluated: 2026-01-13. Review status: criteria provided, single submitter. Criteria: Invitae Variant Classification Sherloc (09022015). Collection method: clinical testing. Allele origin: germline.

Myriad Genetics, Inc.
Classification: Benign for Tuberous sclerosis 2. Last evaluated: 2025-06-06. Review status: criteria provided, single submitter. Criteria: Myriad Autosomal Dominant, Autosomal Recessive and X-Linked Classification Criteria (2023). Collection method: clinical testing. Allele origin: unknown.
Comment: This variant is considered benign. This variant is a silent/synonymous amino acid change and it is not expected to impact splicing.

All of Us Research Program, National Institutes of Health
Classification: Benign for Tuberous sclerosis syndrome. Last evaluated: 2023-12-13. Review status: criteria provided, single submitter. Criteria: ACMG Guidelines, 2015. Collection method: clinical testing. Allele origin: germline. Inheritance: Autosomal dominant inheritance. Observed: 12 variant alleles, 12 heterozygotes.
Comment: This study involves interpretation of variants in research participants for the purpose of population health screening. Participant phenotype was not available at the time of variant classification. Additional details can be found in publication PMID: 35346344, PMCID: PMC8962531

Blueprint Genetics
Classification: Likely benign. Last evaluated: 2023-03-01. Review status: criteria provided, single submitter. Criteria: ACMG Guidelines, 2015. Collection method: clinical testing. Allele origin: germline.

Color Diagnostics, LLC DBA Color Health
Classification: Benign for Tuberous sclerosis syndrome. Last evaluated: 2022-11-16. Review status: criteria provided, single submitter. Criteria: ACMG Guidelines, 2015. Collection method: clinical testing. Allele origin: germline.

Genome-Nilou Lab
Classification: Benign for Tuberous sclerosis 2. Last evaluated: 2021-11-07. Review status: criteria provided, single submitter. Criteria: ACMG Guidelines, 2015. Collection method: clinical testing. Allele origin: germline. Affected: no.

Genetic Services Laboratory, University of Chicago
Classification: Likely benign. Last evaluated: 2021-11-05. Review status: criteria provided, single submitter. Criteria: ACMG Guidelines, 2015. Collection method: clinical testing. Allele origin: germline. Affected: no.

ARUP Laboratories, Molecular Genetics and Genomics, ARUP Laboratories
Classification: Likely benign. Last evaluated: 2021-09-23. Review status: criteria provided, single submitter. Criteria: ARUP Molecular Germline Variant Investigation Process 2021. Collection method: clinical testing. Allele origin: germline.

Sema4
Classification: Benign for Hereditary cancer-predisposing syndrome. Last evaluated: 2020-09-25. Review status: criteria provided, single submitter. Criteria: Sema4 Curation Guidelines. Collection method: curation. Allele origin: germline.

Ambry Genetics
Classification: Likely benign for Hereditary cancer-predisposing syndrome. Last evaluated: 2015-10-16. Review status: criteria provided, single submitter. Criteria: Ambry Variant Classification Scheme 2023. Collection method: clinical testing. Allele origin: germline.

GeneDx
Classification: Benign. Last evaluated: 2014-04-23. Review status: criteria provided, single submitter. Criteria: GeneDx Variant Classification (06012015). Collection method: clinical testing. Allele origin: germline. Affected: yes.
Comment: This variant is considered likely benign or benign based on one or more of the following criteria: it is a conservative change, it occurs at a poorly conserved position in the protein, it is predicted to be benign by multiple in silico algorithms, and/or has population frequency not consistent with disease.